The following is an entry in ClinVar:

ClinVar aggregate classification (germline): Benign. Review status: criteria provided, multiple submitters, no conflicts (2 of 4 stars). 19 submissions from 14 submitters: Benign (16). 3 of the submissions do not count toward it. Last evaluated 2026-02-04.

Conditions:
Diabetes mellitus, permanent neonatal 3. Also called: ABCC8-Related Permanent Neonatal Diabetes Mellitus. Identifiers: MedGen C5394303, MONDO:0030088, OMIM 618857.
Diabetes mellitus, transient neonatal, 2 (TNDM2). Identifiers: Orphanet 99886, MedGen C1835887, MONDO:0012480, OMIM 610374. Disease mechanism: loss of function.
Hyperinsulinemic hypoglycemia, familial, 1 (HHF1). Also called: Persistent hyperinsulinemic hypoglycemia of infancy; HYPERINSULINISM, FAMILIAL, WITH PANCREATIC NESIDIOBLASTOSIS; HYPOGLYCEMIA, HYPERINSULINEMIC, OF INFANCY; NESIDIOBLASTOSIS OF PANCREAS; Persistent Hyperinsulinemia Hypoglycemia of Infancy. Identifiers: Orphanet 276575, Orphanet 276598, MedGen C2931832, MONDO:0009734, OMIM 256450.
Leucine-induced hypoglycemia (LIH). Also called: LEUCINE-SENSITIVE HYPOGLYCEMIA OF INFANCY. Identifiers: MedGen C0271714, MONDO:0009415, OMIM 240800.
Type 2 diabetes mellitus. Also called: Type II diabetes mellitus. Identifiers: MedGen C0011860, MeSH D003924, MONDO:0005148, OMIM 125853, HP:0005978.
Hereditary hyperinsulinism.
Permanent neonatal diabetes mellitus (PNDM). Identifiers: Orphanet 99885, MedGen C1833104, MONDO:0100164, MONDO:0011643. Disease mechanism: gain of function.

Allele frequency attached by ClinVar (database versions not stated): ESP Exome Variant Server 0.35361; 1000 Genomes Project 30x 0.36415; gnomAD 0.36733 and 0.37032; 1000 Genomes Project 0.36841; TOPMed 0.37330; gnomAD exomes 0.42715 and 0.44030; ExAC 0.43459.
gnomAD v4.1: 679,020 of 1,608,952 alleles (42%); highest among the groups gnomAD compares: Admixed American, 57%; 148,402 homozygotes.

Submissions (20):

Labcorp Genetics (formerly Invitae), Labcorp
Classification: Benign. Last evaluated: 2026-02-04. Review status: criteria provided, single submitter. Criteria: Invitae Variant Classification Sherloc (09022015). Collection method: clinical testing. Allele origin: germline.

Mayo Clinic Laboratories, Mayo Clinic
Classification: Benign. Last evaluated: 2025-04-14. Review status: criteria provided, single submitter. Criteria: ACMG Guidelines, 2015. Collection method: clinical testing. Allele origin: germline. Observed: 1 variant allele.
Comment: BA1

Blueprint Genetics
Classification: Benign. Last evaluated: 2024-11-27. Review status: criteria provided, single submitter. Criteria: ACMG Guidelines, 2015. Collection method: clinical testing. Allele origin: germline.

Fulgent Genetics
Classification: Benign for Type 2 diabetes mellitus; Leucine-induced hypoglycemia; Hyperinsulinemic hypoglycemia, familial, 1; Diabetes mellitus, transient neonatal, 2; Diabetes mellitus, permanent neonatal 3. Last evaluated: 2022-05-04. Review status: criteria provided, single submitter. Criteria: ACMG Guidelines, 2015. Collection method: clinical testing. Allele origin: unknown.

Pars Genome Lab
Classification: Benign for Leucine-induced hypoglycemia. Last evaluated: 2021-07-01. Review status: criteria provided, single submitter. Criteria: ACMG Guidelines, 2015. Collection method: clinical testing. Allele origin: germline. Affected: no.

Pars Genome Lab
Classification: Benign for Hyperinsulinemic hypoglycemia, familial, 1. Last evaluated: 2021-07-01. Review status: criteria provided, single submitter. Criteria: ACMG Guidelines, 2015. Collection method: clinical testing. Allele origin: germline. Affected: no.

Pars Genome Lab
Classification: Benign for Diabetes mellitus, transient neonatal, 2. Last evaluated: 2021-07-01. Review status: criteria provided, single submitter. Criteria: ACMG Guidelines, 2015. Collection method: clinical testing. Allele origin: germline. Affected: no.

Pars Genome Lab
Classification: Benign for Diabetes mellitus, permanent neonatal 3. Last evaluated: 2021-07-01. Review status: criteria provided, single submitter. Criteria: ACMG Guidelines, 2015. Collection method: clinical testing. Allele origin: germline. Affected: no.

GeneDx
Classification: Benign. Last evaluated: 2018-09-18. Review status: criteria provided, single submitter. Criteria: GeneDx Variant Classification Process June 2021. Collection method: clinical testing. Allele origin: germline. Affected: yes.
Comment: This variant is associated with the following publications: (PMID: 26740944, 29469970, 16429405, 15807877, 8635661, 25525159, 22533711, 10333056, 10857971, 20079163)

Athena Diagnostics
Classification: Benign. Last evaluated: 2017-04-30. Review status: criteria provided, single submitter. Criteria: Athena Diagnostics Criteria. Collection method: clinical testing. Allele origin: germline.

Illumina Laboratory Services, Illumina
Classification: Benign for Diabetes mellitus, transient neonatal, 2. Last evaluated: 2017-04-27. Review status: criteria provided, single submitter. Criteria: ICSL Variant Classification Criteria 13 December 2019. Collection method: clinical testing. Allele origin: germline.
Comment: This variant was observed as part of a predisposition screen in an ostensibly healthy population. A literature search was performed for the gene, cDNA change, and amino acid change (where applicable). No publications were found based on this search. Allele frequency data from public databases was too high to be consistent with this variant causing disease. Therefore, this variant is classified as benign.

Illumina Laboratory Services, Illumina
Classification: Benign for Hyperinsulinemic hypoglycemia, familial, 1. Last evaluated: 2017-04-27. Review status: criteria provided, single submitter. Criteria: ICSL Variant Classification Criteria 13 December 2019. Collection method: clinical testing. Allele origin: germline.
Comment: the same text as in the submission from Illumina Laboratory Services, Illumina above.

Illumina Laboratory Services, Illumina
Classification: Benign for Permanent neonatal diabetes mellitus 1. Last evaluated: 2017-04-27. Review status: criteria provided, single submitter. Criteria: ICSL Variant Classification Criteria 13 December 2019. Collection method: clinical testing. Allele origin: germline.
Comment: the same text as in the submission from Illumina Laboratory Services, Illumina above.

Eurofins Ntd Llc (ga)
Classification: Benign. Last evaluated: 2014-11-19. Review status: criteria provided, single submitter. Criteria: EGL Classification Definitions 2015. Collection method: clinical testing. Allele origin: germline.

Breakthrough Genomics
Classification: Benign. Review status: criteria provided, single submitter. Criteria: ACMG Guidelines, 2015. Collection method: not provided. Allele origin: germline. Inheritance: Autosomal recessive inheritance. Affected: yes.

PreventionGenetics, part of Exact Sciences
Classification: Benign. Review status: criteria provided, single submitter. Criteria: ACMG Guidelines, 2015. Collection method: clinical testing. Allele origin: germline.

Natera, Inc.
Classification: Benign for Hereditary hyperinsulinism. Last evaluated: 2020-09-16. Review status: no assertion criteria provided. Collection method: clinical testing. Allele origin: germline. Not counted in ClinVar's aggregate classification.

Clinical Genomics, Uppaluri K&H Personalized Medicine Clinic
Classification: association for Type 2 diabetes mellitus. Review status: no assertion criteria provided. Collection method: research. Allele origin: somatic. Inheritance: Autosomal dominant inheritance. Affected: yes. Not counted in ClinVar's aggregate classification.
Comment: Mutations in this gene are associated with both neonatal diabetes mellitus as well as MODY. Patients with this mutation have a better response to sulfonylureas.

Dr. Peter K. Rogan Lab, Western University
No classification provided (evidence only). Condition: Familial cancer of breast. Review status: no classification provided. Collection method: in vitro. Allele origin: not applicable. Functional consequence: retained intron. Not counted in ClinVar's aggregate classification.

Genetic Services Laboratory, University of Chicago
Classification: Likely benign. Review status: no assertion criteria provided. Collection method: clinical testing. Allele origin: germline. Inheritance: Autosomal unknown. Not counted in ClinVar's aggregate classification.
Comment: Likely benign based on allele frequency in 1000 Genomes Project or ESP global frequency and its presence in a patient with a rare or unrelated disease phenotype. NOT Sanger confirmed

Literature cited by the submitters: PubMed 10426386 (cited by Athena Diagnostics); PubMed 8923011 (cited by Athena Diagnostics); PubMed 29751826 (cited by Clinical Genomics, Uppaluri K&H Personalized Medicine Clinic).

NM_000352.6(ABCC8):c.2117-3C>T

Gene: ABCC8 (ATP binding cassette subfamily C member 8; minus strand). Cytogenetic location: 11p15.1.
Variant type: single nucleotide variant.
Coding change: c.2117-3C>T on transcript NM_000352.6 (MANE Select); 3 bases into the intron before coding-DNA position 2117, C replaced by T.
Molecular consequence: intron variant.
Genome position (GRCh38, 1-based): chr11:17,427,157, G>A on the plus strand (C>T on the coding strand, the complement: ABCC8 is on the minus strand). VCF-style: chr11-17427157-G-A. GRCh37 (hg19) VCF-style: chr11-17448704-G-A.
Other names: p.?; c.2114-3C>T (NM_001351297.2, NM_001351296.2); c.2183-3C>T (NM_001351295.2); c.2117-3C>T (NM_001287174.3, NM_000352.5).
Identifiers: ClinVar variation 157688 (VCV000157688.33), dbSNP rs1799854, ClinGen allele CA171054.